The following is an entry in ClinVar:

ClinVar aggregate classification (germline): Uncertain significance. Review status: criteria provided, multiple submitters, no conflicts (2 of 4 stars). 4 submissions from 4 submitters: Uncertain significance (3). 1 of the submissions does not count toward it. Last evaluated 2026-07-01.

Conditions:
VPS13B-related disorder. Also called: VPS13B-related condition.
Cohen syndrome (COH1). Also called: Cutis verticis gyrata, retinitis pigmentosa, and sensorineural deafness; PEPPER SYNDROME. Identifiers: Orphanet 193, MedGen C0265223, MONDO:0008999, OMIM 216550.

Allele frequency attached by ClinVar (database versions not stated): ExAC 0.00005; gnomAD 0.00006; gnomAD exomes 0.00007 and 0.00016; TOPMed 0.00007; ESP Exome Variant Server 0.00038.
gnomAD v4.1: 240 of 1,613,520 alleles (0.015%); highest among the groups gnomAD compares: Non-Finnish European, 0.019%; no homozygotes.

Submissions (4):

PreventionGenetics, part of Exact Sciences
Classification: Uncertain significance for VPS13B-related condition. Last evaluated: 2026-07-01. Review status: criteria provided, single submitter. Criteria: ACMG Guidelines, 2015. Collection method: clinical testing. Allele origin: germline.
Comment: The VPS13B c.1590G>A variant is predicted to result in the amino acid substitution p.Met530Ile. To our knowledge, this variant has not been reported in the literature. This variant is reported in 0.013% of alleles in individuals of European (Non-Finnish) descent in gnomAD. At this time, the clinical significance of this variant is uncertain due to the absence of conclusive functional and genetic evidence.

Labcorp Genetics (formerly Invitae), Labcorp
Classification: Uncertain significance for Cohen syndrome. Last evaluated: 2022-07-30. Review status: criteria provided, single submitter. Criteria: Invitae Variant Classification Sherloc (09022015). Collection method: clinical testing. Allele origin: germline.
Comment: This sequence change replaces methionine, which is neutral and non-polar, with isoleucine, which is neutral and non-polar, at codon 530 of the VPS13B protein (p.Met530Ile). This variant is present in population databases (rs200519753, gnomAD 0.01%). This variant has not been reported in the literature in individuals affected with VPS13B-related conditions. ClinVar contains an entry for this variant (Variation ID: 652672). Algorithms developed to predict the effect of missense changes on protein structure and function are either unavailable or do not agree on the potential impact of this missense change (SIFT: "Not Available"; PolyPhen-2: "Benign"; Align-GVGD: "Not Available"). In summary, the available evidence is currently insufficient to determine the role of this variant in disease. Therefore, it has been classified as a Variant of Uncertain Significance.

GeneDx
Classification: Uncertain significance. Last evaluated: 2021-09-07. Review status: criteria provided, single submitter. Criteria: GeneDx Variant Classification Process June 2021. Collection method: clinical testing. Allele origin: germline. Affected: yes.
Comment: Not observed at a significant frequency in large population cohorts (Lek et al., 2016); In silico analysis supports that this missense variant does not alter protein structure/function; Has not been previously published as pathogenic or benign to our knowledge

Natera, Inc.
Classification: Uncertain significance for Cohen syndrome. Last evaluated: 2020-09-16. Review status: no assertion criteria provided. Collection method: clinical testing. Allele origin: germline. Not counted in ClinVar's aggregate classification.

NM_152564.5(VPS13B):c.1590G>A (p.Met530Ile)

Gene: VPS13B (vacuolar protein sorting 13 homolog B; plus strand). Cytogenetic location: 8q22.2.
Variant type: single nucleotide variant.
Coding change: c.1590G>A on transcript NM_152564.5 (MANE Select); coding-DNA position 1590, G replaced by A.
Protein change: p.Met530Ile; replaces methionine 530 with isoleucine.
Molecular consequence: missense variant.
Genome position (GRCh38, 1-based): chr8:99,136,691, G>A. VCF-style: chr8-99136691-G-A. GRCh37 (hg19) VCF-style: chr8-100148919-G-A.
Other names: c.1590G>A, p.Met530Ile (NM_015243.3, NM_017890.5); c.1590G>A (NM_152564.4); short protein forms M530I.
Identifiers: ClinVar variation 652672 (VCV000652672.13), dbSNP rs200519753, ClinGen allele CA4822679.
Genomic context (GRCh38, chr8:99,136,691, plus strand): 5'-AATGTTTATTCTGTTTGCATTGCTTTGTTGGCAGGAGACATACACTGAGATAGCTGGAAT[G>A]CAACGGTTTGGGGCTTTTTATATGGATTACCTGTATACAATGGAGAACACTAGTGGCAAA-3'
Protein context (NP_689777.3, residues 520-540): HKETYTEIAG[Met530Ile]QRFGAFYMDY